The following is an entry in ClinVar:

ClinVar aggregate classification (germline): Conflicting classifications of pathogenicity. Review status: criteria provided, conflicting classifications (1 of 4 stars). 5 submissions from 5 submitters: Uncertain significance (3); Likely benign (1). 1 of the submissions does not count toward it. Last evaluated 2025-07-30.

Conditions:
Intellectual disability. Also called: Intellectual functioning disability; Intellectual developmental disorder; intellectual disabilities. Identifiers: MedGen C3714756, MeSH D008607, MONDO:0001071, HP:0001249.
Hereditary ataxia. Also called: Hereditary Ataxias. Identifiers: Orphanet 183518, MedGen C0004138, MONDO:0100309, MONDO:0000557.
Neuropathy, hereditary sensory, type 2C. Also called: Hereditary sensory and autonomic neuropathy type IIC; KIF1A-Related HSAN2 (HSAN2C). Identifiers: Orphanet 970, MedGen C3280168, MONDO:0013634, OMIM 614213.
Intellectual disability, autosomal dominant 9 (NESCAVS). Also called: NESCAV SYNDROME; KIF1A-Related Neurodevelopmental Disorder. Identifiers: Orphanet 662367, MedGen C5393830, MONDO:0013656, OMIM 614255.
Hereditary spastic paraplegia 30. Identifiers: Orphanet 101010, MedGen C5235139, MONDO:0012476.

Allele frequency attached by ClinVar (database versions not stated): gnomAD exomes 0.00008 and 0.00007; gnomAD 0.00004; ExAC 0.00019; TOPMed 0.00005; ESP Exome Variant Server 0.00008.
gnomAD v4.1: 111 of 1,586,222 alleles (0.007%); highest among the groups gnomAD compares: Middle Eastern, 0.017%; no homozygotes.

Submissions (5):

Labcorp Genetics (formerly Invitae), Labcorp
Classification: Likely benign for Hereditary spastic paraplegia 30; Neuropathy, hereditary sensory, type 2C; Intellectual disability, autosomal dominant 9. Last evaluated: 2025-07-30. Review status: criteria provided, single submitter. Criteria: Invitae Variant Classification Sherloc (09022015). Collection method: clinical testing. Allele origin: germline.

GeneDx
Classification: Uncertain significance. Last evaluated: 2023-08-15. Review status: criteria provided, single submitter. Criteria: GeneDx Variant Classification Process June 2021. Collection method: clinical testing. Allele origin: germline. Affected: yes.
Comment: In silico analysis, which includes protein predictors and evolutionary conservation, supports a deleterious effect; Has not been previously published as pathogenic or benign to our knowledge

Cambridge Genomics Laboratory, East Genomic Laboratory Hub, NHS Genomic Medicine Service
Classification: Uncertain significance for Hereditary ataxia. Last evaluated: 2019-11-13. Review status: criteria provided, single submitter. Criteria: ACGS Best Practice Guidelines for Variant Classification in Rare Disease 2020. Collection method: clinical testing. Allele origin: germline. Affected: yes. Observed: 1 variant allele.

Revvity Omics, Revvity
Classification: Uncertain significance. Last evaluated: 2019-07-18. Review status: criteria provided, single submitter. Criteria: ACMG Guidelines, 2015. Collection method: clinical testing. Allele origin: germline.

Centre de Biologie Pathologie Génétique, Centre Hospitalier Universitaire de Lille
Classification: Likely benign for Intellectual disability. Last evaluated: 2019-01-01. Review status: no assertion criteria provided. Collection method: clinical testing. Allele origin: inherited. Affected: yes. Not counted in ClinVar's aggregate classification.

NM_001244008.2(KIF1A):c.4846C>T (p.Arg1616Trp)

Gene: KIF1A (kinesin family member 1A; minus strand). Cytogenetic location: 2q37.3.
Variant type: single nucleotide variant.
Coding change: c.4846C>T on transcript NM_001244008.2 (MANE Select); coding-DNA position 4846, C replaced by T.
Protein change: p.Arg1616Trp; replaces arginine 1616 with tryptophan.
Molecular consequence: missense variant.
Genome position (GRCh38, 1-based): chr2:240,720,936, G>A on the plus strand (C>T on the coding strand, the complement: KIF1A is on the minus strand). VCF-style: chr2-240720936-G-A. GRCh37 (hg19) VCF-style: chr2-241660353-G-A.
Other names: c.4570C>T, p.Arg1524Trp (NM_001320705.2, NM_001379649.1); c.4597C>T, p.Arg1533Trp (NM_001330289.2); c.4645C>T, p.Arg1549Trp (NM_001330290.2, NM_001379648.1); c.4921C>T, p.Arg1641Trp (NM_001379631.1); c.4822C>T, p.Arg1608Trp (NM_001379632.1); c.4819C>T, p.Arg1607Trp (NM_001379633.1, NM_001379645.1); c.4672C>T, p.Arg1558Trp (NM_001379634.1); c.4669C>T, p.Arg1557Trp (NM_001379635.1, NM_001379646.1); and 7 more; short protein forms R1532W, R1558W, R1607W, R1515W, R1524W, R1540W, R1549W, R1608W.
Identifiers: ClinVar variation 948932 (VCV000948932.17), dbSNP rs368124753, ClinGen allele CA2207285.
Genomic context (GRCh38, chr2:240,720,936, plus strand): 5'-GTGCCAGAAGCCACTCCGGGAGCCTGGAGCTCACTCACCTCAGGTCAGTGGCACCGTACC[G>A]CCCTTCAACCAGAGAGGGGCAAGTGGAGGAGGGGGTGAGAGTGGCCACCCCTAGAGGGGA-3'
Protein context (NP_001230937.1, residues 1606-1626): SSTCPSLVEG[Arg1616Trp]YGATDLRTPQ